The following is an entry in ClinVar:

ClinVar aggregate classification (germline): Uncertain significance (1 of 4 stars; one submission).

Conditions:
Hereditary cancer-predisposing syndrome. Also called: Hereditary Cancer Syndrome; Hereditary neoplastic syndrome; Neoplastic Syndromes, Hereditary; Tumor predisposition. Identifiers: Orphanet 140162, MedGen C0027672, MeSH D009386, MONDO:0015356.

Allele frequency attached by ClinVar (database versions not stated): gnomAD exomes below 0.00001; TOPMed below 0.00001; gnomAD 0.00001.
gnomAD v4.1: 3 of 1,611,766 alleles (0.00019%); highest among the groups gnomAD compares: Non-Finnish European, 0.00025%; no homozygotes.

Submission:

Ambry Genetics
Classification: Uncertain significance for Hereditary cancer-predisposing syndrome. Last evaluated: 2024-10-28. Review status: criteria provided, single submitter. Criteria: Ambry Variant Classification Scheme 2023. Collection method: clinical testing. Allele origin: germline.
Comment: The p.R153G variant (also known as c.457A>G), located in coding exon 4 of the EPCAM gene, results from an A to G substitution at nucleotide position 457. The arginine at codon 153 is replaced by glycine, an amino acid with dissimilar properties. This amino acid position is conserved. In addition, the in silico prediction for this alteration is inconclusive. Since supporting evidence is limited at this time, the clinical significance of this alteration remains unclear.

NM_002354.3(EPCAM):c.457A>G (p.Arg153Gly)

Gene: EPCAM (epithelial cell adhesion molecule; plus strand). Cytogenetic location: 2p21.
Variant type: single nucleotide variant.
Coding change: c.457A>G on transcript NM_002354.3 (MANE Select); coding-DNA position 457, A replaced by G.
Protein change: p.Arg153Gly; replaces arginine 153 with glycine.
Molecular consequence: missense variant.
Genome position (GRCh38, 1-based): chr2:47,375,265, A>G. VCF-style: chr2-47375265-A-G. GRCh37 (hg19) VCF-style: chr2-47602404-A-G.
Other names: short protein forms R153G.
Identifiers: ClinVar variation 1741615 (VCV001741615.3), dbSNP rs1254684910, ClinGen allele CA346723597.